The following is an entry in ClinVar:

ClinVar aggregate classification (germline): Uncertain significance. Review status: criteria provided, multiple submitters, no conflicts (2 of 4 stars). 2 submissions from 2 submitters: Uncertain significance (2). Last evaluated 2025-01-22.

Conditions:
Hereditary cancer-predisposing syndrome. Also called: Neoplastic Syndromes, Hereditary; Hereditary Cancer Syndrome; Tumor predisposition; Hereditary neoplastic syndrome. Identifiers: Orphanet 140162, MedGen C0027672, MeSH D009386, MONDO:0015356.

Submissions (2):

Labcorp Genetics (formerly Invitae), Labcorp
Classification: Uncertain significance. Last evaluated: 2025-01-22. Review status: criteria provided, single submitter. Criteria: Invitae Variant Classification Sherloc (09022015). Collection method: clinical testing. Allele origin: germline.
Comment: This sequence change replaces asparagine, which is neutral and polar, with threonine, which is neutral and polar, at codon 881 of the MSH3 protein (p.Asn881Thr). This variant is not present in population databases (gnomAD no frequency). This variant has not been reported in the literature in individuals affected with MSH3-related conditions. ClinVar contains an entry for this variant (Variation ID: 945506). An algorithm developed to predict the effect of missense changes on protein structure and function (PolyPhen-2) suggests that this variant is likely to be tolerated. In summary, the available evidence is currently insufficient to determine the role of this variant in disease. Therefore, it has been classified as a Variant of Uncertain Significance.

Ambry Genetics
Classification: Uncertain significance for Hereditary cancer-predisposing syndrome. Last evaluated: 2024-03-02. Review status: criteria provided, single submitter. Criteria: Ambry Variant Classification Scheme 2023. Collection method: clinical testing. Allele origin: germline.
Comment: The p.N881T variant (also known as c.2642A>C), located in coding exon 19 of the MSH3 gene, results from an A to C substitution at nucleotide position 2642. The asparagine at codon 881 is replaced by threonine, an amino acid with similar properties. This amino acid position is conserved. In addition, this alteration is predicted to be tolerated by in silico analysis. Based on the available evidence, the clinical significance of this alteration remains unclear.

NM_002439.5(MSH3):c.2642A>C (p.Asn881Thr)

Gene: MSH3 (mutS homolog 3; plus strand). Cytogenetic location: 5q14.1.
Variant type: single nucleotide variant.
Coding change: c.2642A>C on transcript NM_002439.5 (MANE Select); coding-DNA position 2642, A replaced by C.
Protein change: p.Asn881Thr; replaces asparagine 881 with threonine.
Molecular consequence: missense variant.
Genome position (GRCh38, 1-based): chr5:80,792,831, A>C. VCF-style: chr5-80792831-A-C. GRCh37 (hg19) VCF-style: chr5-80088650-A-C.
Other names: c.2642A>C (NM_002439.3); short protein forms N881T.
Identifiers: ClinVar variation 945506 (VCV000945506.8), dbSNP rs1744631908, ClinGen allele CA360273042.